The following is an entry in ClinVar:

ClinVar aggregate classification (germline): Uncertain significance (1 of 4 stars; one submission).

Allele frequency attached by ClinVar (database versions not stated): gnomAD exomes below 0.00001; TOPMed below 0.00001; gnomAD 0.00001.

Submission:

Labcorp Genetics (formerly Invitae), Labcorp
Classification: Uncertain significance. Last evaluated: 2022-04-25. Review status: criteria provided, single submitter. Criteria: Invitae Variant Classification Sherloc (09022015). Collection method: clinical testing. Allele origin: germline.
Comment: This sequence change replaces valine, which is neutral and non-polar, with methionine, which is neutral and non-polar, at codon 410 of the PAX1 protein (p.Val410Met). This variant is not present in population databases (gnomAD no frequency). This variant has not been reported in the literature in individuals affected with PAX1-related conditions. Algorithms developed to predict the effect of missense changes on protein structure and function (SIFT, PolyPhen-2, Align-GVGD) all suggest that this variant is likely to be tolerated. In summary, the available evidence is currently insufficient to determine the role of this variant in disease. Therefore, it has been classified as a Variant of Uncertain Significance.

NM_001257096.2(PAX1):c.1228G>A (p.Val410Met)

Gene: PAX1 (paired box 1; plus strand). Cytogenetic location: 20p11.22.
Variant type: single nucleotide variant.
Coding change: c.1228G>A on transcript NM_001257096.2 (MANE Select); coding-DNA position 1228, G replaced by A.
Protein change: p.Val410Met; replaces valine 410 with methionine.
Molecular consequence: missense variant.
Genome position (GRCh38, 1-based): chr20:21,709,390, G>A. VCF-style: chr20-21709390-G-A. GRCh37 (hg19) VCF-style: chr20-21690028-G-A.
Other names: c.1228G>A, p.Val410Met (NM_006192.5); short protein forms V410M.
Identifiers: ClinVar variation 2130677 (VCV002130677.4), dbSNP rs1016284054, ClinGen allele CA313027740.